The following is an entry in ClinVar:

ClinVar aggregate classification (germline): Pathogenic/Likely pathogenic. Review status: criteria provided, multiple submitters, no conflicts (2 of 4 stars). 3 submissions from 3 submitters: Pathogenic (2); Likely pathogenic (1). Last evaluated 2025-03-14.

Conditions:
Intellectual developmental disorder, autosomal recessive 44. Also called: Intellectual disability, autosomal recessive 44. Identifiers: Orphanet 88616, MedGen C4014745, MONDO:0014409, OMIM 615942.
Intellectual disability. Also called: Intellectual functioning disability; intellectual disabilities; Intellectual developmental disorder. Identifiers: MedGen C3714756, MeSH D008607, MONDO:0001071, HP:0001249.

Submissions (3):

First Genomix Gene Laboratory, Genetic Diagnostics Department
Classification: Pathogenic for Intellectual developmental disorder, autosomal recessive 44. Last evaluated: 2025-03-14. Review status: criteria provided, single submitter. Criteria: ACMG Guidelines, 2015. Collection method: clinical testing. Allele origin: germline. Inheritance: Autosomal recessive inheritance. Affected: no. Observed: 1 variant allele.

GeneDx
Classification: Pathogenic. Last evaluated: 2025-01-06. Review status: criteria provided, single submitter. Criteria: GeneDx Variant Classification Process June 2021. Collection method: clinical testing. Allele origin: germline.
Comment: Frameshift variant predicted to result in abnormal protein length as the last 46 amino acids are replaced with 11 different amino acids, and other similar variants have been reported in HGMD; Not observed at significant frequency in large population cohorts (gnomAD); This variant is associated with the following publications: (PMID: 36703223, 34374989)

Dubai Health Genomic Medicine Center, Dubai Health
Classification: Likely pathogenic for Intellectual developmental disorder. Last evaluated: 2024-10-04. Review status: criteria provided, single submitter. Criteria: ACMG Guidelines, 2015. Collection method: research. Allele origin: germline. Affected: yes.
Comment: PVS1_Strong, PM3, PM2

NM_001080510.5(METTL23):c.434_438del (p.Leu145fs)

Gene: METTL23 (methyltransferase 23, arginine; plus strand). Cytogenetic location: 17q25.1.
Variant type: Deletion.
Coding change: c.434_438del on transcript NM_001080510.5 (MANE Select); coding-DNA positions 434 to 438, 5 bases deleted (TCTAC; older notation c.434_438delTCTAC).
Protein change: p.Leu145fs; shifts the reading frame from leucine 145.
Molecular consequence: frameshift variant. On other transcripts: non-coding transcript variant (1).
Genome position (GRCh38, 1-based): chr17:76,733,547-76,733,551, TCTAC deleted; deleting any 5 consecutive bases within chr17:76,733,544-76,733,551 gives the same sequence; the c. name uses the placement nearest the transcript's 3' end. VCF-style (leftmost placement, unchanged base first): chr17-76733543-TTACTC-T. GRCh37 (hg19) VCF-style: chr17-74729625-TTACTC-T.
Other names: c.434_438del (NM_001080510.4); c.434_438del, p.Leu145fs (NM_001206983.3, NM_001206984.3, NM_001302703.2 and 2 more transcripts); c.233_237del, p.Leu78fs (NM_001206985.3, NM_001206986.3, NM_001206987.3 and 2 more transcripts); c.422_426del, p.Leu141fs (NM_001302705.2, NM_001378350.1, NM_001378351.1 and 2 more transcripts); c.434_438delTCTAC (NM_001080510.5); short protein forms L141fs, L145fs, L78fs.
Identifiers: ClinVar variation 1810219 (VCV001810219.6), dbSNP rs767883844, ClinGen allele CA8790209.
Genomic context (GRCh38, chr17:76,733,543, plus strand): 5'-AAGGCATGACTTTAAAAGAACAACTTTTTTTTTTTAAGTGCTGACTGGTCACTTGAAGCT[TTACTC>T]TACAAATGGGATATGAAATGTGTCCACATTCCTCTTGAGTCTTTTGATGCAGACAAAGAA-3'